The following is an entry in ClinVar:

NM_001903.5(CTNNA1):c.1428G>A (p.Gln476=)

Gene: CTNNA1 (catenin alpha 1; plus strand). Cytogenetic location: 5q31.2.
Variant type: single nucleotide variant.
Coding change: c.1428G>A on transcript NM_001903.5 (MANE Select); coding-DNA position 1428, G replaced by A.
Protein change: p.Gln476=; no amino-acid change (glutamine 476 retained).
Molecular consequence: synonymous variant. On other transcripts: 5 prime UTR variant (5).
Genome position (GRCh38, 1-based): chr5:138,917,780, G>A. VCF-style: chr5-138917780-G-A. GRCh37 (hg19) VCF-style: chr5-138253469-G-A.
Other names: c.1428G>A (NM_001903.4); c.1428G>A, p.Gln476= (NM_001290307.3, NM_001323982.2, NM_001323983.1 and 2 more transcripts); c.1119G>A, p.Gln373= (NM_001290309.3); c.1059G>A, p.Gln353= (NM_001290310.3); c.318G>A, p.Gln106= (NM_001290312.1, NM_001323987.1, NM_001323988.1 and 17 more transcripts); c.1335G>A, p.Gln445= (NM_001323986.2); c.-22G>A (NM_001324006.1, NM_001324007.1, NM_001324008.1 and 2 more transcripts); c.225G>A, p.Gln75= (NM_001324011.1); and 1 more.
Identifiers: ClinVar variation 1146805 (VCV001146805.13), dbSNP rs757345467, ClinGen allele CA3431954.

ClinVar aggregate classification (germline): Benign/Likely benign. Review status: criteria provided, multiple submitters, no conflicts (2 of 4 stars). 4 submissions from 4 submitters: Benign (1); Likely benign (3). Last evaluated 2026-08-12.

Conditions:
CTNNA1-related disorder. Also called: CTNNA1-related condition.
Hereditary cancer-predisposing syndrome. Also called: Tumor predisposition; Hereditary Cancer Syndrome; Neoplastic Syndromes, Hereditary; Hereditary neoplastic syndrome. Identifiers: Orphanet 140162, MedGen C0027672, MeSH D009386, MONDO:0015356.
Hereditary diffuse gastric adenocarcinoma (HDGC). Also called: DIFFUSE GASTRIC AND LOBULAR BREAST CANCER SYNDROME. Identifiers: Orphanet 26106, MedGen C1708349, MONDO:0007648, OMIM 137215.

Allele frequency attached by ClinVar (database versions not stated): TOPMed below 0.00001; gnomAD 0.00001; gnomAD exomes 0.00002; ExAC 0.00005.
gnomAD v4.1: 30 of 1,614,030 alleles (0.0019%); highest among the groups gnomAD compares: South Asian, 0.032%; no homozygotes.

Submissions (4):

PreventionGenetics, part of Exact Sciences
Classification: Likely benign for CTNNA1-related condition. Last evaluated: 2026-08-12. Review status: criteria provided, single submitter. Criteria: ACMG Guidelines, 2015. Collection method: clinical testing. Allele origin: germline.
Comment: This variant is classified as likely benign based on ACMG/AMP sequence variant interpretation guidelines (Richards et al. 2015 PMID: 25741868, with internal and published modifications).

Labcorp Genetics (formerly Invitae), Labcorp
Classification: Likely benign. Last evaluated: 2025-12-22. Review status: criteria provided, single submitter. Criteria: Invitae Variant Classification Sherloc (09022015). Collection method: clinical testing. Allele origin: germline.

Myriad Genetics, Inc.
Classification: Benign for Hereditary diffuse gastric adenocarcinoma. Last evaluated: 2024-10-11. Review status: criteria provided, single submitter. Criteria: Myriad Autosomal Dominant, Autosomal Recessive and X-Linked Classification Criteria (2023). Collection method: clinical testing. Allele origin: unknown.
Comment: This variant is considered benign. This variant is a silent/synonymous amino acid change and it is not expected to impact splicing.

Ambry Genetics
Classification: Likely benign for Hereditary cancer-predisposing syndrome. Last evaluated: 2020-09-04. Review status: criteria provided, single submitter. Criteria: Ambry Variant Classification Scheme 2023. Collection method: clinical testing. Allele origin: germline.